The following is an entry in ClinVar:

NM_001077350.3(NPRL3):c.1163C>T (p.Thr388Ile)

Genes: HBA-LCR (alpha-globin locus control region; plus strand), NPRL3 (NPR3 like, GATOR1 complex subunit; minus strand). Cytogenetic location: 16p13.3.
Variant type: single nucleotide variant.
Coding change: c.1163C>T on transcript NM_001077350.3 (MANE Select); coding-DNA position 1163, C replaced by T.
Protein change: p.Thr388Ile; replaces threonine 388 with isoleucine.
Molecular consequence: missense variant.
Genome position (GRCh38, 1-based): chr16:89,901, G>A on the plus strand (C>T on the coding strand, the complement: NPRL3 is on the minus strand). VCF-style: chr16-89901-G-A. GRCh37 (hg19) VCF-style: chr16-139899-G-A.
Other names: c.626C>T, p.Thr209Ile (NM_001039476.3); c.929C>T, p.Thr310Ile (NM_001243247.2); c.1088C>T, p.Thr363Ile (NM_001243248.2, NM_001243249.2); c.1163C>T (NM_001077350.2); short protein forms T209I, T310I, T363I, T388I.
Identifiers: ClinVar variation 1147433 (VCV001147433.12), dbSNP rs758123622, ClinGen allele CA7769419.

ClinVar aggregate classification (germline): Likely benign. Review status: criteria provided, multiple submitters, no conflicts (2 of 4 stars). 3 submissions from 3 submitters: Likely benign (2). 1 of the submissions does not count toward it. Last evaluated 2025-05-01.

Conditions:
Inborn genetic diseases. Identifiers: MedGen C0950123, MeSH D030342.
NPRL3-related disorder. Also called: NPRL3-related condition.
Epilepsy, familial focal, with variable foci 3 (FFEVF3). Identifiers: MedGen C4310708, MONDO:0014925, OMIM 617118.

Allele frequency attached by ClinVar (database versions not stated): gnomAD 0.00003; ExAC 0.00049.
gnomAD v4.1: 48 of 1,545,674 alleles (0.0031%); highest among the groups gnomAD compares: South Asian, 0.058%; 1 homozygote.

Submissions (3):

Labcorp Genetics (formerly Invitae), Labcorp
Classification: Likely benign for Epilepsy, familial focal, with variable foci 3. Last evaluated: 2025-05-01. Review status: criteria provided, single submitter. Criteria: Invitae Variant Classification Sherloc (09022015). Collection method: clinical testing. Allele origin: germline.

Ambry Genetics
Classification: Likely benign for Inborn genetic diseases. Last evaluated: 2021-08-12. Review status: criteria provided, single submitter. Criteria: Ambry Variant Classification Scheme 2023. Collection method: clinical testing. Allele origin: germline.

PreventionGenetics, part of Exact Sciences
Classification: Likely benign for NPRL3-related condition. Last evaluated: 2023-07-05. Review status: no assertion criteria provided. Collection method: clinical testing. Allele origin: germline. Not counted in ClinVar's aggregate classification.
Comment: This variant is classified as likely benign based on ACMG/AMP sequence variant interpretation guidelines (Richards et al. 2015 PMID: 25741868, with internal and published modifications).